The following is an entry in ClinVar:

ClinVar aggregate classification (germline): Uncertain significance (1 of 4 stars; one submission).

Conditions:
Inborn genetic diseases. Identifiers: MedGen C0950123, MeSH D030342.

Submission:

Ambry Genetics
Classification: Uncertain significance for Inborn genetic diseases. Last evaluated: 2026-08-25. Review status: criteria provided, single submitter. Criteria: Ambry Variant Classification Scheme 2023. Collection method: clinical testing. Allele origin: germline.
Comment: The c.362G>T (p.R121L) alteration is located in exon 1 (coding exon 1) of the SOX11 gene. This alteration results from a G to T substitution at nucleotide position 362, causing the arginine (R) at amino acid position 121 to be replaced by a leucine (L). This variant was not reported in population-based cohorts in the Genome Aggregation Database (gnomAD). This amino acid position is well conserved in available vertebrate species. This missense variant is located in a region that has a low rate of benign missense variation (Lek, 2016; Firth, 2009). The in silico prediction for this alteration is inconclusive. Based on insufficient or conflicting evidence, the clinical significance of this alteration remains unclear.

NM_003108.4(SOX11):c.362G>T (p.Arg121Leu)

Gene: SOX11 (SRY-box transcription factor 11; plus strand). Cytogenetic location: 2p25.2.
Variant type: single nucleotide variant.
Coding change: c.362G>T on transcript NM_003108.4 (MANE Select); coding-DNA position 362, G replaced by T.
Protein change: p.Arg121Leu; replaces arginine 121 with leucine.
Molecular consequence: missense variant.
Genome position (GRCh38, 1-based): chr2:5,693,083, G>T. VCF-style: chr2-5693083-G-T. GRCh37 (hg19) VCF-style: chr2-5833215-G-T.
Other names: short protein forms R121L.
Identifiers: ClinVar variation 5030046 (VCV005030046.1).